The following is an entry in ClinVar:

NM_001256789.3(CACNA1F):c.5546C>T (p.Ala1849Val)

Gene: CACNA1F (calcium voltage-gated channel subunit alpha1 F; minus strand). Cytogenetic location: Xp11.23.
Variant type: single nucleotide variant.
Coding change: c.5546C>T on transcript NM_001256789.3 (MANE Select); coding-DNA position 5546, C replaced by T.
Protein change: p.Ala1849Val; replaces alanine 1849 with valine.
Molecular consequence: missense variant.
Genome position (GRCh38, 1-based): chrX:49,205,740, G>A on the plus strand (C>T on the coding strand, the complement: CACNA1F is on the minus strand). VCF-style: chrX-49205740-G-A. GRCh37 (hg19) VCF-style: chrX-49062200-G-A.
Other names: c.5384C>T, p.Ala1795Val (NM_001256790.3); c.5579C>T, p.Ala1860Val (NM_005183.4); c.5579C>T (NM_005183.2); short protein forms A1849V, A1795V, A1860V.
Identifiers: ClinVar variation 936401 (VCV000936401.9), dbSNP rs2856748, ClinGen allele CA10409954.

ClinVar aggregate classification (germline): Conflicting classifications of pathogenicity. Review status: criteria provided, conflicting classifications (1 of 4 stars). 3 submissions from 3 submitters: Uncertain significance (2); Likely benign (1). Last evaluated 2025-09-25.

Conditions:
Inborn genetic diseases. Identifiers: MedGen C0950123, MeSH D030342.

Allele frequency attached by ClinVar (database versions not stated): ExAC 0.00002; gnomAD exomes 0.00002; TOPMed 0.00002; gnomAD 0.00003.
gnomAD v4.1: 68 of 1,201,940 alleles (0.0057%); highest among the groups gnomAD compares: Middle Eastern, 0.023%; no homozygotes.

Submissions (3):

Labcorp Genetics (formerly Invitae), Labcorp
Classification: Uncertain significance. Last evaluated: 2025-09-25. Review status: criteria provided, single submitter. Criteria: Invitae Variant Classification Sherloc (09022015). Collection method: clinical testing. Allele origin: germline.
Comment: This sequence change replaces alanine, which is neutral and non-polar, with valine, which is neutral and non-polar, at codon 1860 of the CACNA1F protein (p.Ala1860Val). The frequency data for this variant in the population databases is considered unreliable, as metrics indicate poor data quality at this position in the gnomAD database. This variant has not been reported in the literature in individuals affected with CACNA1F-related conditions. ClinVar contains an entry for this variant (Variation ID: 936401). An algorithm developed to predict the effect of missense changes on protein structure and function outputs the following: PolyPhen-2: "Benign". The valine amino acid residue is found in multiple mammalian species, which suggests that this missense change does not adversely affect protein function. In summary, the available evidence is currently insufficient to determine the role of this variant in disease. Therefore, it has been classified as a Variant of Uncertain Significance.

Ambry Genetics
Classification: Uncertain significance for Inborn genetic diseases. Last evaluated: 2025-03-25. Review status: criteria provided, single submitter. Criteria: Ambry Variant Classification Scheme 2023. Collection method: clinical testing. Allele origin: germline.

Blueprint Genetics
Classification: Likely benign. Last evaluated: 2021-07-29. Review status: criteria provided, single submitter. Criteria: ACMG Guidelines, 2015. Collection method: clinical testing. Allele origin: germline.